The following is an entry in ClinVar:

ClinVar aggregate classification (germline): Conflicting classifications of pathogenicity. Review status: criteria provided, conflicting classifications (1 of 4 stars). 11 submissions from 7 submitters: Uncertain significance (3); Benign (3); Likely benign (5). Last evaluated 2025-12-16.

Conditions:
TTN-related disorder. Also called: TTN-related disorders; TTN-related condition; TTN-related disease.
Cardiovascular phenotype. Identifiers: MedGen CN230736.
Dilated cardiomyopathy 1G (CMD1G). Identifiers: Orphanet 154, MedGen C1858763, MONDO:0011400, OMIM 604145.
Autosomal recessive limb-girdle muscular dystrophy type 2J (LGMDR10). Also called: Limb-girdle muscular dystrophy, type 2J; MUSCULAR DYSTROPHY, LIMB-GIRDLE, AUTOSOMAL RECESSIVE 10. Identifiers: Orphanet 140922, MedGen C1837342, MONDO:0012127, OMIM 608807.
Early-onset myopathy with fatal cardiomyopathy (CMYO5). Also called: Salih Myopathy; CONGENITAL MYOPATHY 5 WITH CARDIOMYOPATHY. Identifiers: Orphanet 289377, MedGen C2673677, MONDO:0012714, OMIM 611705. Disease mechanism: loss of function.
Myopathy, myofibrillar, 9, with early respiratory failure (MFM9). Also called: Hereditary myopathy with early respiratory failure; MYOPATHY, PROXIMAL, WITH EARLY RESPIRATORY MUSCLE INVOLVEMENT; Myopathy, distal, with early respiratory failure, autosomal dominant; EDSTROM MYOPATHY. Identifiers: Orphanet 178464, Orphanet 34521, MedGen C1863599, MONDO:0011362, OMIM 603689.
Tibial muscular dystrophy (TMD). Also called: UDD MYOPATHY; Tibial muscular dystrophy, tardive; Udd Distal Myopathy – Tibial Muscular Dystrophy. Identifiers: Orphanet 609, MedGen C1838244, MONDO:0010870, OMIM 600334.

Allele frequency attached by ClinVar (database versions not stated): gnomAD 0.00001 and 0.00002; TOPMed 0.00003; ExAC 0.00002; gnomAD exomes 0.00001 and below 0.00001.
gnomAD v4.1: 24 of 1,613,902 alleles (0.0015%); highest among the groups gnomAD compares: East Asian, 0.0089%; no homozygotes.

Submissions (11):

Labcorp Genetics (formerly Invitae), Labcorp
Classification: Likely benign for Dilated cardiomyopathy 1G; Autosomal recessive limb-girdle muscular dystrophy type 2J. Last evaluated: 2025-12-16. Review status: criteria provided, single submitter. Criteria: Invitae Variant Classification Sherloc (09022015). Collection method: clinical testing. Allele origin: germline.

PreventionGenetics, part of Exact Sciences
Classification: Likely benign for TTN-related condition. Last evaluated: 2025-04-23. Review status: criteria provided, single submitter. Criteria: ACMG Guidelines, 2015. Collection method: clinical testing. Allele origin: germline.
Comment: This variant is classified as likely benign based on ACMG/AMP sequence variant interpretation guidelines (Richards et al. 2015 PMID: 25741868, with internal and published modifications).

Blueprint Genetics
Classification: Likely benign. Last evaluated: 2024-04-02. Review status: criteria provided, single submitter. Criteria: ACMG Guidelines, 2015. Collection method: clinical testing. Allele origin: germline.

Ambry Genetics
Classification: Likely benign for Cardiovascular phenotype. Last evaluated: 2023-02-08. Review status: criteria provided, single submitter. Criteria: Ambry Variant Classification Scheme 2023. Collection method: clinical testing. Allele origin: germline.

Women's Health and Genetics/Laboratory Corporation of America, LabCorp
Classification: Likely benign. Last evaluated: 2021-10-09. Review status: criteria provided, single submitter. Criteria: LabCorp Variant Classification Summary - May 2015. Collection method: clinical testing. Allele origin: germline.

Illumina Laboratory Services, Illumina
Classification: Uncertain significance for Autosomal recessive limb-girdle muscular dystrophy type 2J. Last evaluated: 2018-01-13. Review status: criteria provided, single submitter. Criteria: ICSL Variant Classification Criteria 13 December 2019. Collection method: clinical testing. Allele origin: germline.

Illumina Laboratory Services, Illumina
Classification: Uncertain significance for Early-onset myopathy with fatal cardiomyopathy. Last evaluated: 2018-01-13. Review status: criteria provided, single submitter. Criteria: ICSL Variant Classification Criteria 13 December 2019. Collection method: clinical testing. Allele origin: germline.

Illumina Laboratory Services, Illumina
Classification: Benign for Tibial muscular dystrophy. Last evaluated: 2018-01-13. Review status: criteria provided, single submitter. Criteria: ICSL Variant Classification Criteria 13 December 2019. Collection method: clinical testing. Allele origin: germline.
Comment: This variant was observed in the ICSL laboratory as part of a predisposition screen in an ostensibly healthy population. It had not been previously curated by ICSL or reported in the Human Gene Mutation Database (HGMD: prior to June 1st, 2018), and was therefore a candidate for classification through an automated scoring system. Utilizing variant allele frequency, disease prevalence and penetrance estimates, and inheritance mode, an automated score was calculated to assess if this variant is too frequent to cause the disease. Based on the score and internal cut-off values, a variant classified as benign is not then subjected to further curation. The score for this variant resulted in a classification of benign for this disease.

Illumina Laboratory Services, Illumina
Classification: Benign for Myopathy, myofibrillar, 9, with early respiratory failure. Last evaluated: 2018-01-13. Review status: criteria provided, single submitter. Criteria: ICSL Variant Classification Criteria 13 December 2019. Collection method: clinical testing. Allele origin: germline.
Comment: the same text as in the submission from Illumina Laboratory Services, Illumina above.

Illumina Laboratory Services, Illumina
Classification: Uncertain significance for Dilated cardiomyopathy 1G. Last evaluated: 2018-01-13. Review status: criteria provided, single submitter. Criteria: ICSL Variant Classification Criteria 13 December 2019. Collection method: clinical testing. Allele origin: germline.

GeneDx
Classification: Benign. Last evaluated: 2014-04-22. Review status: criteria provided, single submitter. Criteria: GeneDx Variant Classification (06012015). Collection method: clinical testing. Allele origin: germline. Affected: yes.
Comment: This variant is considered likely benign or benign based on one or more of the following criteria: it is a conservative change, it occurs at a poorly conserved position in the protein, it is predicted to be benign by multiple in silico algorithms, and/or has population frequency not consistent with disease.

NM_001267550.2(TTN):c.105570A>G (p.Ser35190=)

Genes: TTN (titin; minus strand), TTN-AS1 (TTN antisense RNA 1; plus strand), LOC129935184 (ATAC-STARR-seq lymphoblastoid active region 16809; plus strand). Cytogenetic location: 2q31.2.
Variant type: single nucleotide variant.
Coding change: c.105570A>G on transcript NM_001267550.2 (MANE Select); coding-DNA position 105570, A replaced by G.
Protein change: p.Ser35190=; no amino-acid change (serine 35190 retained).
Molecular consequence: synonymous variant.
Genome position (GRCh38, 1-based): chr2:178,531,045, T>C on the plus strand (A>G on the coding strand, the complement: TTN is on the minus strand). VCF-style: chr2-178531045-T-C. GRCh37 (hg19) VCF-style: chr2-179395772-T-C.
Other names: p.S33549S:TCA>TCG; c.78951A>G, p.Ser26317= (NM_133437.4); c.100647A>G, p.Ser33549= (NM_001256850.1); c.78375A>G, p.Ser26125= (NM_003319.4); c.97866A>G, p.Ser32622= (NM_133378.4); c.78750A>G, p.Ser26250= (NM_133432.3).
Identifiers: ClinVar variation 137820 (VCV000137820.22), dbSNP rs377340289, ClinGen allele CA291499.